The following is an entry in ClinVar:

NM_000180.4(GUCY2D):c.2179G>A (p.Gly727Ser)

Gene: GUCY2D (guanylate cyclase 2D, retinal; plus strand). Cytogenetic location: 17p13.1.
Variant type: single nucleotide variant.
Coding change: c.2179G>A on transcript NM_000180.4 (MANE Select); coding-DNA position 2179, G replaced by A.
Protein change: p.Gly727Ser; replaces glycine 727 with serine.
Molecular consequence: missense variant.
Genome position (GRCh38, 1-based): chr17:8,013,168, G>A. VCF-style: chr17-8013168-G-A. GRCh37 (hg19) VCF-style: chr17-7916486-G-A.
Other names: NM_000180.4(GUCY2D):c.2179G>A; p.Gly727Ser; short protein forms G727S.
Identifiers: ClinVar variation 859216 (VCV000859216.44), dbSNP rs146820642, ClinGen allele CA8366036.

ClinVar aggregate classification (germline): Uncertain significance. Review status: reviewed by expert panel (3 of 4 stars). 11 submissions from 11 submitters: Uncertain significance (1). 10 of the submissions do not count toward it. Last evaluated 2025-01-30.

Conditions:
GUCY2D-related recessive retinopathy. Also called: Recessive GUCY2D retinopathy. Identifiers: MedGen CN305603, MONDO:0100453.
Leber congenital amaurosis 1 (LCA1). Also called: RETINAL BLINDNESS, CONGENITAL; AMAUROSIS CONGENITA OF LEBER I; Congenital absence of the rods and cones; Leber's congenital tapetoretinal degeneration; Leber's congenital tapetoretinal dysplasia. Identifiers: Orphanet 65, MedGen C2931258, MONDO:0008764, OMIM 204000.
GUCY2D-related disorder. Also called: GUCY2D-related condition.
Retinal dystrophy. Also called: Inherited retinal dystrophy. Identifiers: Orphanet 71862, MedGen C0854723, MeSH D058499, MONDO:0019118, HP:0000556.
Choroidal dystrophy, central areolar, 1. Identifiers: Orphanet 75377, MedGen C4551884, MONDO:0024539, OMIM 215500.
Cone-rod dystrophy 6 (CORD6). Also called: Cone dystrophy progressive; RETINAL CONE DYSTROPHY 2. Identifiers: Orphanet 1872, MedGen C1866293, MONDO:0011143, OMIM 601777.
Night blindness, congenital stationary, type1i. Also called: NIGHT BLINDNESS, CONGENITAL STATIONARY, TYPE 1I. Identifiers: MedGen C5231408, MONDO:0032811, OMIM 618555.

Allele frequency attached by ClinVar (database versions not stated): ESP Exome Variant Server 0.00023; ExAC 0.00028; gnomAD exomes 0.00036 and 0.00050; TOPMed 0.00040; gnomAD 0.00053 and 0.00055.
gnomAD v4.1: 791 of 1,613,966 alleles (0.049%); highest among the groups gnomAD compares: Non-Finnish European, 0.062%; 1 homozygote.

Submissions (11):

ClinGen Leber Congenital Amaurosis/early Onset Retinal Dystrophy Variant Curation Expert Panel, ClinGen
Classification: Uncertain significance for GUCY2D-related recessive retinopathy. Last evaluated: 2025-01-30. Review status: reviewed by expert panel. Criteria: ClinGen LCAeoRD ACMG Specifications GUCY2D V1.0.0. Collection method: curation. Allele origin: germline. Inheritance: Autosomal recessive inheritance.
Comment: The NM_000180.4(GUCY2D):c.2179G>A (p.Gly727Ser) variant is predicted to replace the glycine at position p.727 with serine. This variant is present in gnomAD v4.1.0 at a total allele frequency of 0.0004901, with 791 alleles / 1613966 total alleles, which is higher than the ClinGen LCA/eoRD VCEP PM2_Supporting threshold of <0.0004 and fails to meet this criterion. This variant has a Grpmax allele frequency of 0.0005812, with 730 alleles / 1179954 total alleles in the European (non-Finnish) population, which is lower than the ClinGen LCA/eoRD VCEP BS1 threshold of >0.0016 and fails to meet this criterion as well. The computational predictor REVEL gives a score of 0.695, which is above the ClinGen LCA/eoRD VCEP threshold of ≥0.644 and predicts a damaging effect on RetGC-1 protein function (PP3). The variant has also been identified as a heterozygous occurrence in at least one proband with an alternative basis for retinal disease in the NMNAT1 gene, however, the BP5 code is not applicable due to the absence of a second GUCY2D variant in the proband and the high genetic heterogeneity and limited phenotypic specificities of retinal dystrophies. A different amino acid substitution at this position, NM_000180.4(GUCY2D):c.2180G>A (p.Gly727Asp), has an entry in ClinVar with a classification of likely pathogenic for recessive optic atrophy but would not meet the LCA/eoRD VCEP requirements for GUCY2D-related recessive retinopathy so does not satisfy the requirements for PM5. In summary, this variant meets the criteria to be classified as a VUS for GUCY2D-related recessive retinopathy based on the ACMG/AMP criteria applied, as specified by the ClinGen LCA/eoRD VCEP: PP3. (VCEP specifications version 1.0.0; date of approval 01/22/2025).

PreventionGenetics, part of Exact Sciences
Classification: Uncertain significance for GUCY2D-related condition. Last evaluated: 2026-02-05. Review status: criteria provided, single submitter. Criteria: ACMG Guidelines, 2015. Collection method: clinical testing. Allele origin: germline. Not counted in ClinVar's aggregate classification.
Comment: The GUCY2D c.2179G>A variant is predicted to result in the amino acid substitution p.Gly727Ser. This variant has been reported without a second GUCY2D variant in an individual with Leber congenital amaurosis whose disease could be explained by variants in the NMNAT1 gene (Skorczyk-Werner et al. 2022. PubMed ID: 36369640). This variant is present in 0.075% of alleles in individuals of European (Non-Finnish) descent in gnomAD, including one homozygote. Although we suspect that this variant may be benign, at this time, the clinical significance of this variant is uncertain due to the absence of conclusive functional and genetic evidence.

Blueprint Genetics
Classification: Likely benign. Last evaluated: 2024-11-23. Review status: criteria provided, single submitter. Criteria: ACMG Guidelines, 2015. Collection method: clinical testing. Allele origin: germline. Not counted in ClinVar's aggregate classification.

Clinical Genomics Laboratory, Washington University in St. Louis
Classification: Uncertain significance for Leber congenital amaurosis 1. Last evaluated: 2024-05-29. Review status: criteria provided, single submitter. Criteria: ACMG Guidelines, 2015. Collection method: clinical testing. Allele origin: germline. Not counted in ClinVar's aggregate classification.
Comment: The GUCY2D c.2179G>A (p.Gly727Ser) variant, to our knowledge, has not been reported in the medical literature. The highest population minor allele frequency in the population database genome aggregation database (v.2.1.1) is 0.07% in the European non-Finnish population. Computational predictors indicate that the variant is damaging, evidence that correlates with impact to GUCY2D function. Due to limited information, and based on ACMG/AMP guidelines for variant interpretation (Richards S et al., PMID: 25741868), the clinical significance of this variant is uncertain at this time.

CeGaT Center for Human Genetics Tuebingen
Classification: Uncertain significance. Last evaluated: 2024-01-01. Review status: criteria provided, single submitter. Criteria: CeGaT Center For Human Genetics Tuebingen Variant Classification Criteria Version 2. Collection method: clinical testing. Allele origin: germline. Affected: yes. Observed: 2 variant alleles. Not counted in ClinVar's aggregate classification.
Comment: GUCY2D: PM5

Institute of Human Genetics, Univ. Regensburg, Univ. Regensburg
Classification: Likely benign for Retinal dystrophy. Last evaluated: 2023-01-01. Review status: criteria provided, single submitter. Criteria: ACMG Guidelines, 2015. Collection method: clinical testing. Allele origin: germline. Affected: yes. Not counted in ClinVar's aggregate classification.

Labcorp Genetics (formerly Invitae), Labcorp
Classification: Uncertain significance for Leber congenital amaurosis 1; Cone-rod dystrophy 6. Last evaluated: 2022-10-05. Review status: criteria provided, single submitter. Criteria: Invitae Variant Classification Sherloc (09022015). Collection method: clinical testing. Allele origin: germline. Not counted in ClinVar's aggregate classification.
Comment: This sequence change replaces glycine, which is neutral and non-polar, with serine, which is neutral and polar, at codon 727 of the GUCY2D protein (p.Gly727Ser). This variant is present in population databases (rs146820642, gnomAD 0.07%), including at least one homozygous and/or hemizygous individual. This variant has not been reported in the literature in individuals affected with GUCY2D-related conditions. ClinVar contains an entry for this variant (Variation ID: 859216). Algorithms developed to predict the effect of missense changes on protein structure and function (SIFT, PolyPhen-2, Align-GVGD) all suggest that this variant is likely to be disruptive. In summary, the available evidence is currently insufficient to determine the role of this variant in disease. Therefore, it has been classified as a Variant of Uncertain Significance.

Fulgent Genetics
Classification: Uncertain significance for Leber congenital amaurosis 1; Choroidal dystrophy, central areolar, 1; Cone-rod dystrophy 6; Night blindness, congenital stationary, type1i. Last evaluated: 2021-09-01. Review status: criteria provided, single submitter. Criteria: ACMG Guidelines, 2015. Collection method: clinical testing. Allele origin: unknown. Not counted in ClinVar's aggregate classification.

Clinical Genetics DNA and cytogenetics Diagnostics Lab, Erasmus MC, Erasmus Medical Center
Classification: Uncertain significance. Review status: no assertion criteria provided. Collection method: clinical testing. Allele origin: germline. Affected: yes. Study: VKGL Data-share Consensus. Not counted in ClinVar's aggregate classification.

Clinical Genetics, Academic Medical Center
Classification: Uncertain significance. Review status: no assertion criteria provided. Collection method: clinical testing. Allele origin: germline. Affected: yes. Study: VKGL Data-share Consensus. Not counted in ClinVar's aggregate classification.

Joint Genome Diagnostic Labs from Nijmegen and Maastricht, Radboudumc and MUMC+
Classification: Uncertain significance. Review status: no assertion criteria provided. Collection method: clinical testing. Allele origin: germline. Affected: yes. Study: VKGL Data-share Consensus. Not counted in ClinVar's aggregate classification.

Literature cited by the submitters: PubMed 36369640 (cited by Institute of Human Genetics, Univ. Regensburg, Univ. Regensburg).